The following is an entry in ClinVar:

NM_130811.4(SNAP25):c.*239G>T

Gene: SNAP25 (synaptosome associated protein 25; plus strand). Cytogenetic location: 20p12.2.
Variant type: single nucleotide variant.
Coding change: c.*239G>T on transcript NM_130811.4 (MANE Select); 239 bases downstream of the stop codon, G replaced by T.
Molecular consequence: 3 prime UTR variant.
Genome position (GRCh38, 1-based): chr20:10,306,436, G>T. VCF-style: chr20-10306436-G-T. GRCh37 (hg19) VCF-style: chr20-10287084-G-T.
Other names: c.*239G>T (NM_001322902.2, NM_001322903.2, NM_001322904.2 and 7 more transcripts).
Identifiers: ClinVar variation 1168327 (VCV001168327.10), dbSNP rs3746544, ClinGen allele CA14749823.
Genomic context (GRCh38, chr20:10,306,436, plus strand): 5'-TTGGTCTCTTTCTTTCCAAAGGTTGTACATAGTGGTCATTTGGTGGCTCTAACTCCTTGA[G>T]GTCTTGAGTTTCATTTTTCATTTTCTCTCCTCGGTGGCATTTGCTGAATAACAACAATTT-3'

ClinVar aggregate classification (germline): Benign. Review status: criteria provided, multiple submitters, no conflicts (2 of 4 stars). 3 submissions from 3 submitters: Benign (3). Last evaluated 2026-01-19.

Conditions:
Congenital myasthenic syndrome 18. Also called: MYASTHENIC SYNDROME, CONGENITAL, 18, WITH INTELLECTUAL DISABILITY AND ATAXIA. Identifiers: Orphanet 590, MedGen C4225364, MONDO:0014590, OMIM 616330.

Allele frequency attached by ClinVar (database versions not stated): gnomAD exomes 0.66209; gnomAD 0.67678 and 0.67931; TOPMed 0.68148; 1000 Genomes Project 30x 0.71690; 1000 Genomes Project 0.71885.
gnomAD v4.1: 260,581 of 389,872 alleles (67%); highest among the groups gnomAD compares: East Asian, 74%; 87,521 homozygotes.

Submissions (3):

Labcorp Genetics (formerly Invitae), Labcorp
Classification: Benign for Congenital myasthenic syndrome 18. Last evaluated: 2026-01-19. Review status: criteria provided, single submitter. Criteria: Invitae Variant Classification Sherloc (09022015). Collection method: clinical testing. Allele origin: germline.

GeneDx
Classification: Benign. Last evaluated: 2021-03-08. Review status: criteria provided, single submitter. Criteria: GeneDx Variant Classification Process June 2021. Collection method: clinical testing. Allele origin: germline. Affected: yes.
Comment: This variant is associated with the following publications: (PMID: 25650683, 25054019, 26941099)

Breakthrough Genomics
Classification: Benign. Review status: criteria provided, single submitter. Criteria: ACMG Guidelines, 2015. Collection method: not provided. Allele origin: germline. Inheritance: Autosomal dominant inheritance. Affected: yes.